The following is an entry in ClinVar:

ClinVar aggregate classification (germline): Uncertain significance (1 of 4 stars; one submission).

Submission:

GeneDx
Classification: Uncertain significance. Last evaluated: 2025-11-03. Review status: criteria provided, single submitter. Criteria: GeneDx Variant Classification Process June 2021. Collection method: clinical testing. Allele origin: germline. Affected: yes.
Comment: Not observed at significant frequency in large population cohorts (gnomAD); In silico analysis supports that this missense variant has a deleterious effect on protein structure/function; Has not been previously published as pathogenic or benign to our knowledge

NM_006922.4(SCN3A):c.2713G>C (p.Gly905Arg)

Gene: SCN3A (sodium voltage-gated channel alpha subunit 3; minus strand). Cytogenetic location: 2q24.3.
Variant type: single nucleotide variant.
Coding change: c.2713G>C on transcript NM_006922.4 (MANE Select); coding-DNA position 2713, G replaced by C.
Protein change: p.Gly905Arg; replaces glycine 905 with arginine.
Molecular consequence: missense variant.
Genome position (GRCh38, 1-based): chr2:165,130,149, C>G on the plus strand (G>C on the coding strand, the complement: SCN3A is on the minus strand). VCF-style: chr2-165130149-C-G. GRCh37 (hg19) VCF-style: chr2-165986659-C-G.
Other names: c.2566G>C, p.Gly856Arg (NM_001081676.2, NM_001081677.2); short protein forms G856R, G905R.
Identifiers: ClinVar variation 2505825 (VCV002505825.2), dbSNP rs2468251494, ClinGen allele CA349042705.
Genomic context (GRCh38, chr2:165,130,149, plus strand): 5'-GCCACCGTGGGAGCGTACAGTCATCATTGATCTTGCAGACACATTCTTTGTAGCTCTTAC[C>G]AAAGAGCTGCATGCCGACCACAGCAAAAATGAAGACGATGATGGCCAACACCAAGGTGAG-3'
Protein context (NP_008853.3, residues 895-915): IFAVVGMQLF[Gly905Arg]KSYKECVCKI